The following is an entry in ClinVar:

ClinVar aggregate classification (germline): Uncertain significance (1 of 4 stars; one submission).

Conditions:
Inborn genetic diseases. Identifiers: MedGen C0950123, MeSH D030342.

gnomAD v4.1: 1 of 1,613,654 alleles (0.000062%); highest among the groups gnomAD compares: African/African-American, 0.0013%; no homozygotes.

Submission:

Ambry Genetics
Classification: Uncertain significance for Inborn genetic diseases. Last evaluated: 2026-05-23. Review status: criteria provided, single submitter. Criteria: Ambry Variant Classification Scheme 2023. Collection method: clinical testing. Allele origin: germline.
Comment: The p.L310Q variant (also known as c.929T>A), located in coding exon 4 of the SH2B3 gene, results from a T to A substitution at nucleotide position 929. The leucine at codon 310 is replaced by glutamine, an amino acid with dissimilar properties. This amino acid position is conserved. In addition, this alteration is predicted to be tolerated by in silico analysis. Based on the available evidence, the clinical significance of this variant remains unclear.

NM_005475.3(SH2B3):c.929T>A (p.Leu310Gln)

Gene: SH2B3 (SH2B adaptor protein 3; plus strand). Cytogenetic location: 12q24.12.
Variant type: single nucleotide variant.
Coding change: c.929T>A on transcript NM_005475.3 (MANE Select); coding-DNA position 929, T replaced by A.
Protein change: p.Leu310Gln; replaces leucine 310 with glutamine.
Molecular consequence: missense variant.
Genome position (GRCh38, 1-based): chr12:111,447,127, T>A. VCF-style: chr12-111447127-T-A. GRCh37 (hg19) VCF-style: chr12-111884931-T-A.
Other names: c.323T>A, p.Leu108Gln (NM_001291424.1); short protein forms L108Q, L310Q.
Identifiers: ClinVar variation 4864453 (VCV004864453.1).
Genomic context (GRCh38, chr12:111,447,127, plus strand): 5'-TTTGCTGCTACCACCCCTGACCTGCCCAGATCCTTAACCTCAGCCTCTTCTCCAGCAGGC[T>A]GGAGAGCACAGAAGCAGAGATGCATATTCCCTCAGCCCTAGAGCCTAGCACGTCCAGCTC-3'
Protein context (NP_005466.1, residues 300-320): AELSECTGRG[Leu310Gln]ESTEAEMHIP